The following is an entry in ClinVar:

ClinVar aggregate classification (germline): Uncertain significance (1 of 4 stars; one submission).

Conditions:
TBL1XR1-related disorder. Also called: TBL1XR1-related condition; TBL1XR1-related disorders. Identifiers: MedGen CN382633, MONDO:1060313.

gnomAD v4.1: 3 of 1,590,754 alleles (0.00019%); highest among the groups gnomAD compares: Non-Finnish European, 0.00026%; no homozygotes.

Submission:

PreventionGenetics, part of Exact Sciences
Classification: Uncertain significance for TBL1XR1-related condition. Last evaluated: 2024-12-12. Review status: criteria provided, single submitter. Criteria: ACMG Guidelines, 2015. Collection method: clinical testing. Allele origin: germline.
Comment: The TBL1XR1 c.1286T>C variant is predicted to result in the amino acid substitution p.Val429Ala. To our knowledge, this variant has not been reported in the literature or in a large population database (gnomAD), indicating this variant is rare. At this time, the clinical significance of this variant is uncertain due to the absence of conclusive functional and genetic evidence.

NM_024665.7(TBL1XR1):c.1286T>C (p.Val429Ala)

Gene: TBL1XR1 (TBL1X/Y related 1; minus strand). Cytogenetic location: 3q26.32.
Variant type: single nucleotide variant.
Coding change: c.1286T>C on transcript NM_024665.7 (MANE Select); coding-DNA position 1286, T replaced by C.
Protein change: p.Val429Ala; replaces valine 429 with alanine.
Molecular consequence: missense variant.
Genome position (GRCh38, 1-based): chr3:177,033,101, A>G on the plus strand (T>C on the coding strand, the complement: TBL1XR1 is on the minus strand). VCF-style: chr3-177033101-A-G. GRCh37 (hg19) VCF-style: chr3-176750889-A-G.
Other names: c.1286T>C, p.Val429Ala (NM_001321193.3, NM_001321194.3, NM_001374327.1 and 2 more transcripts); c.1025T>C, p.Val342Ala (NM_001321195.3, NM_001374330.1); short protein forms V342A, V429A.
Identifiers: ClinVar variation 4978383 (VCV004978383.1).
Genomic context (GRCh38, chr3:177,033,101, plus strand): 5'-GCTACACTGTACACAGGCTCTTGGTGTTTTGTCAAGGTATGGATGCATATCCCTCGGTCT[A>G]CATCCCATAACCTAACAGTAGAATCAAAGGATGCACTGAAAAAGGAAGGAAAGAAAGTTA-3'
Protein context (NP_078941.2, residues 419-439): SFDSTVRLWD[Val429Ala]DRGICIHTLT